The following is an entry in ClinVar:

NM_145054.5(CFAP52):c.636+1G>A

Gene: CFAP52 (cilia and flagella associated protein 52; plus strand). Cytogenetic location: 17p13.1.
Variant type: single nucleotide variant.
Coding change: c.636+1G>A on transcript NM_145054.5 (MANE Select); the canonical splice donor site of the intron after coding-DNA position 636, G replaced by A.
Molecular consequence: splice donor variant.
Genome position (GRCh38, 1-based): chr17:9,598,334, G>A. VCF-style: chr17-9598334-G-A. GRCh37 (hg19) VCF-style: chr17-9501651-G-A.
Other names: c.432+1G>A (NM_001080556.2).
Identifiers: ClinVar variation 5002116 (VCV005002116.1).

ClinVar aggregate classification (germline): Uncertain significance (1 of 4 stars; one submission).

Conditions:
CFAP52-related disorder. Also called: CFAP52-related condition.

Submission:

PreventionGenetics, part of Exact Sciences
Classification: Uncertain significance for CFAP52-related condition. Last evaluated: 2025-08-05. Review status: criteria provided, single submitter. Criteria: ACMG Guidelines, 2015. Collection method: clinical testing. Allele origin: germline.
Comment: The CFAP52 c.636+1G>A variant is predicted to disrupt the GT donor site and interfere with normal splicing. To our knowledge, this variant has not been reported in the literature or in a large population database (gnomAD), indicating this variant is rare. Although we suspect that this variant may be pathogenic, at this time, the clinical significance of this variant is uncertain due to the absence of conclusive functional and genetic evidence.